The following is an entry in ClinVar:

ClinVar aggregate classification (germline): Pathogenic/Likely pathogenic. Review status: criteria provided, multiple submitters, no conflicts (2 of 4 stars). 3 submissions from 3 submitters: Pathogenic (2); Likely pathogenic (1). Last evaluated 2025-07-20.

Conditions:
Niemann-Pick disease, type A. Also called: Infantile Neurovisceral ASMD (Niemann-Pick Disease Type A; NPD-A); SPHINGOMYELIN LIPIDOSIS; SPHINGOMYELINASE DEFICIENCY. Identifiers: Orphanet 77292, MedGen C0268242, MONDO:0009756, OMIM 257200. Disease mechanism: loss of function.
Niemann-Pick disease, type B. Also called: Chronic Visceral ASMD (Niemann-Pick Disease Type B; NPD-B). Identifiers: Orphanet 77293, MedGen C0268243, MONDO:0011871, OMIM 607616. Disease mechanism: loss of function.

Submissions (3):

Natera, Inc.
Classification: Likely pathogenic for Niemann-Pick Disease, Types A/B. Last evaluated: 2025-07-20. Review status: criteria provided, single submitter. Criteria: Natera Variant Classification Schema (03/2026). Collection method: clinical testing. Allele origin: germline.
Comment: The c.625del variant in SMPD1 is a frameshift variant predicted to shift the reading frame beginning at codon 209 and leads to a stop codon 48 codons downstream. This variant is expected to result in nonsense mediated decay, truncation, or a dysfunctional protein product. This variant is rare in the general population with a frequency below the threshold expected for the associated phenotype(s). Given the available evidence, this variant is classified as Likely Pathogenic.

Labcorp Genetics (formerly Invitae), Labcorp
Classification: Pathogenic for Niemann-Pick disease, type B; Niemann-Pick disease, type A. Last evaluated: 2023-07-29. Review status: criteria provided, single submitter. Criteria: Invitae Variant Classification Sherloc (09022015). Collection method: clinical testing. Allele origin: germline.
Comment: This sequence change creates a premature translational stop signal (p.Leu209Cysfs*48) in the SMPD1 gene. It is expected to result in an absent or disrupted protein product. Loss-of-function variants in SMPD1 are known to be pathogenic (PMID: 12369017, 15221801). This variant is not present in population databases (gnomAD no frequency). This premature translational stop signal has been observed in individual(s) with Niemann‐Pick disease (PMID: 33675270). ClinVar contains an entry for this variant (Variation ID: 992684). For these reasons, this variant has been classified as Pathogenic.

Huiwen Zhang's lab, Shanghai Jiao Tong University School of Medicine, Xinhua Hospital
Classification: Pathogenic for Niemann-Pick disease, type A; Niemann-Pick disease, type B. Last evaluated: 2020-12-30. Review status: criteria provided, single submitter. Criteria: ACMG Guidelines, 2015. Collection method: clinical testing. Allele origin: inherited. Affected: yes.

Literature cited by the submitters: PubMed 12369017 (cited by Labcorp Genetics (formerly Invitae), Labcorp); PubMed 15221801 (cited by Labcorp Genetics (formerly Invitae), Labcorp); PubMed 33675270 (cited by Labcorp Genetics (formerly Invitae), Labcorp).

NM_000543.5(SMPD1):c.625del (p.Leu209fs)

Gene: SMPD1 (sphingomyelin phosphodiesterase 1; plus strand). Cytogenetic location: 11p15.4.
Variant type: Deletion.
Coding change: c.625del on transcript NM_000543.5 (MANE Select); coding-DNA position 625, one base deleted (C; older notation c.625delC).
Protein change: p.Leu209fs; shifts the reading frame from leucine 209.
Molecular consequence: frameshift variant. On other transcripts: 5 prime UTR variant (1), non-coding transcript variant (1).
Genome position (GRCh38, 1-based): chr11:6,391,690, C deleted; the last of 2 consecutive C bases (chr11:6,391,689-6,391,690); deleting either gives the same sequence. VCF-style (leftmost placement, unchanged base first): chr11-6391688-AC-A. GRCh37 (hg19) VCF-style: chr11-6412918-AC-A.
Other names: c.622del, p.Leu208fs (NM_001007593.3); c.625del, p.Leu209fs (NM_001318087.2, NM_001365135.2); c.-337del (NM_001318088.2); c.625del (NM_000543.4); c.625delC (NM_000543.4); short protein forms L208fs, L209fs.
Identifiers: ClinVar variation 992684 (VCV000992684.5), dbSNP rs1847921591, ClinGen allele CA1139661807.
Genomic context (GRCh38, chr11:6,391,688, plus strand): 5'-CCAAACCCCCTAGCCCCCCAGCCCCAGGTGCCCCTGTCAGCCGCATCCTCTTCCTCACTG[AC>A]CTGCACTGGGATCATGACTACCTGGAGGGCACGGACCCTGACTGTGCAGACCCACTGTGC-3'